The following is an entry in ClinVar:

NM_001349999.2(RBFOX2):c.685G>C (p.Glu229Gln)

Gene: RBFOX2 (RNA binding fox-1 homolog 2; minus strand). Cytogenetic location: 22q12.3.
Variant type: single nucleotide variant.
Coding change: c.685G>C on transcript NM_001349999.2 (MANE Select); coding-DNA position 685, G replaced by C.
Protein change: p.Glu229Gln; replaces glutamic acid 229 with glutamine.
Molecular consequence: missense variant. On other transcripts: intron variant (4).
Genome position (GRCh38, 1-based): chr22:35,768,328, C>G on the plus strand (G>C on the coding strand, the complement: RBFOX2 is on the minus strand). VCF-style: chr22-35768328-C-G. GRCh37 (hg19) VCF-style: chr22-36164375-C-G.
Other names: c.472G>C, p.Glu158Gln (NM_001349998.2, NM_001031695.4, NM_001082576.3 and 2 more transcripts); c.679G>C, p.Glu227Gln (NM_001394108.1); c.682G>C, p.Glu228Gln (NM_001394112.1, NM_001394113.1, NM_001394115.1 and 1 more transcripts); c.685G>C, p.Glu229Gln (NM_001394114.1, NM_001082578.4); c.475G>C, p.Glu159Gln (NM_014309.4, NM_001349997.2); c.661-2845G>C (NM_001394111.1, NM_001394110.1, NM_001394109.1); c.538G>C, p.Glu180Gln (NM_001349982.2, NM_001349989.2, NM_001349990.2 and 4 more transcripts); c.517-2845G>C (NM_001349995.2); and 1 more; short protein forms E227Q, E228Q, E158Q, E159Q, E180Q, E229Q.
Identifiers: ClinVar variation 2172912 (VCV002172912.5), dbSNP rs199852787, ClinGen allele CA10206915.

ClinVar aggregate classification (germline): Uncertain significance. Review status: criteria provided, multiple submitters, no conflicts (2 of 4 stars). 2 submissions from 2 submitters: Uncertain significance (2). Last evaluated 2024-04-19.

Conditions:
Inborn genetic diseases. Identifiers: MedGen C0950123, MeSH D030342.

Allele frequency attached by ClinVar (database versions not stated): ExAC 0.00001; gnomAD 0.00001; TOPMed 0.00006; 1000 Genomes Project 30x 0.00016; 1000 Genomes Project 0.00020.
gnomAD v4.1: 17 of 1,613,904 alleles (0.0011%); highest among the groups gnomAD compares: East Asian, 0.033%; no homozygotes.

Submissions (2):

Ambry Genetics
Classification: Uncertain significance for Inborn genetic diseases. Last evaluated: 2024-04-19. Review status: criteria provided, single submitter. Criteria: Ambry Variant Classification Scheme 2023. Collection method: clinical testing. Allele origin: germline.

Labcorp Genetics (formerly Invitae), Labcorp
Classification: Uncertain significance. Last evaluated: 2021-12-28. Review status: criteria provided, single submitter. Criteria: Invitae Variant Classification Sherloc (09022015). Collection method: clinical testing. Allele origin: germline.
Comment: In summary, the available evidence is currently insufficient to determine the role of this variant in disease. Therefore, it has been classified as a Variant of Uncertain Significance. Algorithms developed to predict the effect of sequence changes on RNA splicing suggest that this variant may create or strengthen a splice site. Algorithms developed to predict the effect of missense changes on protein structure and function are either unavailable or do not agree on the potential impact of this missense change (SIFT: "Not Available"; PolyPhen-2: "Probably Damaging"; Align-GVGD: "Not Available"). This variant has not been reported in the literature in individuals affected with RBFOX2-related conditions. This variant is present in population databases (rs199852787, gnomAD 0.05%). This sequence change replaces glutamic acid, which is acidic and polar, with glutamine, which is neutral and polar, at codon 229 of the RBFOX2 protein (p.Glu229Gln).